The following is an entry in ClinVar:

NM_001098426.2(SMARCD2):c.888C>T (p.Val296=)

Gene: SMARCD2 (SWI/SNF related BAF chromatin remodeling complex subunit D2; minus strand). Cytogenetic location: 17q23.3.
Variant type: single nucleotide variant.
Coding change: c.888C>T on transcript NM_001098426.2 (MANE Select); coding-DNA position 888, C replaced by T.
Protein change: p.Val296=; no amino-acid change (valine 296 retained).
Molecular consequence: synonymous variant.
Genome position (GRCh38, 1-based): chr17:63,834,507, G>A on the plus strand (C>T on the coding strand, the complement: SMARCD2 is on the minus strand). VCF-style: chr17-63834507-G-A. GRCh37 (hg19) VCF-style: chr17-61911867-G-A.
Other names: c.663C>T, p.Val221= (NM_001330439.1); c.744C>T, p.Val248= (NM_001330440.2).
Identifiers: ClinVar variation 1578214 (VCV001578214.31), dbSNP rs779996760, ClinGen allele CA8706368.
Genomic context (GRCh38, chr17:63,834,507, plus strand): 5'-CAGAAATGACCCCAGGGTCTCTGTCACCTGATGATCCAGCATGAGCAGGAGGGTGCACTT[G>A]ACGTTGAGGTCTCCAGGCCGTTTTACTTGGAAGCCATCTGTCTCCTGGGTGGTGGGCATC-3'
Protein context (NP_001091896.1, residues 286-306): FQVKRPGDLN[Val296=]KCTLLLMLDH

ClinVar aggregate classification (germline): Likely benign. Review status: criteria provided, multiple submitters, no conflicts (2 of 4 stars). 4 submissions from 4 submitters: Likely benign (4). Last evaluated 2026-06-01.

Allele frequency attached by ClinVar (database versions not stated): gnomAD 0.00003; gnomAD exomes 0.00003 and 0.00008; ExAC 0.00004; TOPMed 0.00006.

Submissions (4):

CeGaT Center for Human Genetics Tuebingen
Classification: Likely benign. Last evaluated: 2026-06-01. Review status: criteria provided, single submitter. Criteria: CeGaT Center For Human Genetics Tuebingen Variant Classification Criteria Version 2. Collection method: clinical testing. Allele origin: germline. Affected: yes. Observed: 3 variant alleles.
Comment: SMARCD2: BP4, BP7

Labcorp Genetics (formerly Invitae), Labcorp
Classification: Likely benign. Last evaluated: 2025-12-18. Review status: criteria provided, single submitter. Criteria: Invitae Variant Classification Sherloc (09022015). Collection method: clinical testing. Allele origin: germline.

Blueprint Genetics
Classification: Likely benign. Last evaluated: 2023-09-15. Review status: criteria provided, single submitter. Criteria: ACMG Guidelines, 2015. Collection method: clinical testing. Allele origin: germline.

Breakthrough Genomics
Classification: Likely benign. Review status: criteria provided, single submitter. Criteria: ACMG Guidelines, 2015. Collection method: not provided. Allele origin: germline. Inheritance: Autosomal recessive inheritance. Affected: yes.